The following is an entry in ClinVar:

ClinVar aggregate classification (germline): Likely pathogenic. Review status: reviewed by expert panel (3 of 4 stars). 2 submissions from 2 submitters: Likely pathogenic (1). 1 of the submissions does not count toward it. Last evaluated 2024-07-29.

Conditions:
T-cell immunodeficiency, congenital alopecia, and nail dystrophy. Also called: Congenital alopecia and nail dystrophy associated with severe functional T-cell immunodeficiency; Pignata Guarino syndrome. Identifiers: Orphanet 169095, MedGen C1866426, MONDO:0011132, OMIM 601705.

Allele frequency attached by ClinVar (database versions not stated): gnomAD exomes below 0.00001.
gnomAD v4.1: 1 of 1,614,188 alleles (0.000062%); highest among the groups gnomAD compares: Non-Finnish European, 0.000085%; no homozygotes.

Submissions (2):

ClinGen Severe Combined Immunodeficiency Variant Curation Expert Panel, ClinGen
Classification: Likely pathogenic for T-cell immunodeficiency, congenital alopecia, and nail dystrophy. Last evaluated: 2024-07-29. Review status: reviewed by expert panel. Criteria: ClinGen SCID ACMG Specifications FOXN1 V1.0.0. Collection method: curation. Allele origin: germline. Inheritance: Semidominant inheritance.
Comment: The NM_001369369.1(FOXN1):c.962A>G (p.His321Arg) missense variant is located within the well-established DNA binding forkhead domain (amino acids 270-367) at amino acid position 321 (PM1). A deleterious effect is predicted by REVEL with a score of 0.978, above the ≥0.932 threshold for PP3_moderate. This variant was detected heterozygous by exome sequencing in P7 (PMID: 31566583) with T lymphopenia (CD3 32 cell/ul), abnormal hair and abnormal nails (PP4), This variant has a HMAF of 0.000002856 (1/350108 alleles) in the European (non-Finnish) population of gnomADv4.0, below the threshold of <0.00002412 (PM2_supporting). In summary this variant meets criteria to be classified as likely pathogenic for semidominant T-cell immunodeficiency, congenital alopecia, and nail dystrophy due to FOXN1 deficiency based on the ACMG/AMP criteria applied: PP3_moderate, PM1, PM2_supporting, and PP4 as specified by the ClinGen SCID VCEP FOXN1 subgroup.

GeneDx
Classification: Uncertain significance. Last evaluated: 2017-01-03. Review status: criteria provided, single submitter. Criteria: GeneDx Variant Classification (06012015). Collection method: clinical testing. Allele origin: germline. Affected: yes. Not counted in ClinVar's aggregate classification.
Comment: The H321R variant has not been published as a pathogenic variant, nor has it been reported as a benign variant to our knowledge. The variant was not observed in approximately 6,500 individuals of European and African American ancestry in the NHLBI Exome Sequencing Project, indicating it is not a common benign variant in these populations. H321R is a conservative amino acid substitution, which is not likely to impact secondary protein structure as these residues share similar properties. However, this substitution occurs at a position that is conserved across species, and in silico analysis predicts this variant is probably damaging to the protein structure/function. Therefore, based on the currently available information, it is unclear whether this variant is a pathogenic variant or a rare benign variant.

NM_001369369.1(FOXN1):c.962A>G (p.His321Arg)

Gene: FOXN1 (forkhead box N1; plus strand). Cytogenetic location: 17q11.2.
Variant type: single nucleotide variant.
Coding change: c.962A>G on transcript NM_001369369.1 (MANE Select); coding-DNA position 962, A replaced by G.
Protein change: p.His321Arg; replaces histidine 321 with arginine.
Molecular consequence: missense variant.
Genome position (GRCh38, 1-based): chr17:28,534,365, A>G. VCF-style: chr17-28534365-A-G. GRCh37 (hg19) VCF-style: chr17-26861383-A-G.
Other names: NM_001369369.1(FOXN1):c.962A>G; p.His321Arg; c.962A>G, p.His321Arg (NM_003593.3); short protein forms H321R.
Identifiers: ClinVar variation 392379 (VCV000392379.3), dbSNP rs1057524466, ClinGen allele CA16607552.
Genomic context (GRCh38, chr17:28,534,365, plus strand): 5'-ATGCTTGTCTTGCTCTGTTCCGGCAGACAGCACCCGATGGCTGGAAGAATTCTGTCCGGC[A>G]CAACCTATCCCTCAACAAGTGCTTCGAGAAGGTGGAGAACAAATCAGGAAGTTCCTCCCG-3'
Protein context (NP_001356298.1, residues 311-331): APDGWKNSVR[His321Arg]NLSLNKCFEK